The following is an entry in ClinVar:

NM_000195.5(HPS1):c.1131C>T (p.Gly377=)

Gene: HPS1 (HPS1 biogenesis of lysosomal organelles complex 3 subunit 1; minus strand). Cytogenetic location: 10q24.2.
Variant type: single nucleotide variant.
Coding change: c.1131C>T on transcript NM_000195.5 (MANE Select); coding-DNA position 1131, C replaced by T.
Protein change: p.Gly377=; no amino-acid change (glycine 377 retained).
Molecular consequence: synonymous variant.
Genome position (GRCh38, 1-based): chr10:98,425,842, G>A on the plus strand (C>T on the coding strand, the complement: HPS1 is on the minus strand). VCF-style: chr10-98425842-G-A. GRCh37 (hg19) VCF-style: chr10-100185599-G-A.
Other names: c.159C>T, p.Gly53= (NM_001311345.2, NM_001322487.2, NM_001322489.2); c.1131C>T, p.Gly377= (NM_001322476.2, NM_001322477.2); c.1032C>T, p.Gly344= (NM_001322478.2, NM_001322479.2); c.870C>T, p.Gly290= (NM_001322480.2, NM_001322481.2); c.771C>T, p.Gly257= (NM_001322482.2); c.762C>T, p.Gly254= (NM_001322483.2, NM_001322484.2); c.663C>T, p.Gly221= (NM_001322485.2); c.1131C>T (NM_000195.4).
Identifiers: ClinVar variation 2091120 (VCV002091120.6), dbSNP rs747217320, ClinGen allele CA5639134.

ClinVar aggregate classification (germline): Likely benign. Review status: criteria provided, single submitter (1 of 4 stars). 2 submissions from 2 submitters: Likely benign (1). 1 of the submissions does not count toward it. Last evaluated 2024-01-10.

Conditions:
HPS1-related disorder. Also called: HPS1-related condition.

Allele frequency attached by ClinVar (database versions not stated): TOPMed below 0.00001; gnomAD exomes 0.00001; ExAC 0.00002.
gnomAD v4.1: 5 of 1,614,006 alleles (0.00031%); highest among the groups gnomAD compares: Non-Finnish European, 0.00042%; no homozygotes.

Submissions (2):

Labcorp Genetics (formerly Invitae), Labcorp
Classification: Likely benign. Last evaluated: 2024-01-10. Review status: criteria provided, single submitter. Criteria: Invitae Variant Classification Sherloc (09022015). Collection method: clinical testing. Allele origin: germline.

PreventionGenetics, part of Exact Sciences
Classification: Likely benign for HPS1-related condition. Last evaluated: 2024-02-16. Review status: no assertion criteria provided. Collection method: clinical testing. Allele origin: germline. Not counted in ClinVar's aggregate classification.
Comment: This variant is classified as likely benign based on ACMG/AMP sequence variant interpretation guidelines (Richards et al. 2015 PMID: 25741868, with internal and published modifications).